The following is an entry in ClinVar:

ClinVar aggregate classification (germline): Uncertain significance (1 of 4 stars; one submission).

Conditions:
Capillary malformation-arteriovenous malformation syndrome. Also called: Capillary malformation-arteriovenous malformation. Identifiers: Orphanet 137667, MedGen C1842180, MONDO:0012016.

Submission:

Labcorp Genetics (formerly Invitae), Labcorp
Classification: Uncertain significance for Capillary malformation-arteriovenous malformation syndrome. Last evaluated: 2023-08-09. Review status: criteria provided, single submitter. Criteria: Invitae Variant Classification Sherloc (09022015). Collection method: clinical testing. Allele origin: germline.
Comment: This sequence change replaces proline, which is neutral and non-polar, with serine, which is neutral and polar, at codon 177 of the RASA1 protein (p.Pro177Ser). This variant is not present in population databases (gnomAD no frequency). This variant has not been reported in the literature in individuals affected with RASA1-related conditions. An algorithm developed to predict the effect of missense changes on protein structure and function (PolyPhen-2) suggests that this variant is likely to be disruptive. In summary, the available evidence is currently insufficient to determine the role of this variant in disease. Therefore, it has been classified as a Variant of Uncertain Significance.

NM_002890.3(RASA1):c.529C>T (p.Pro177Ser)

Gene: RASA1 (RAS p21 protein activator 1; plus strand). Cytogenetic location: 5q14.3.
Variant type: single nucleotide variant.
Coding change: c.529C>T on transcript NM_002890.3 (MANE Select); coding-DNA position 529, C replaced by T.
Protein change: p.Pro177Ser; replaces proline 177 with serine.
Molecular consequence: missense variant. On other transcripts: 5 prime UTR variant (1).
Genome position (GRCh38, 1-based): chr5:87,268,980, C>T. VCF-style: chr5-87268980-C-T. GRCh37 (hg19) VCF-style: chr5-86564797-C-T.
Other names: c.-68C>T (NM_022650.3); short protein forms P177S.
Identifiers: ClinVar variation 2759645 (VCV002759645.3), dbSNP rs752847187, ClinGen allele CA360417580.